The following is an entry in ClinVar:

NM_000051.4(ATM):c.844T>C (p.Leu282=)

Gene: ATM (ATM serine/threonine kinase; plus strand). Cytogenetic location: 11q22.3.
Variant type: single nucleotide variant.
Coding change: c.844T>C on transcript NM_000051.4 (MANE Select); coding-DNA position 844, T replaced by C.
Protein change: p.Leu282=; no amino-acid change (leucine 282 retained).
Molecular consequence: synonymous variant.
Genome position (GRCh38, 1-based): chr11:108,244,969, T>C. VCF-style: chr11-108244969-T-C. GRCh37 (hg19) VCF-style: chr11-108115696-T-C.
Other names: c.844T>C, p.Leu282= (NM_001351834.2).
Identifiers: ClinVar variation 631297 (VCV000631297.15), dbSNP rs1565371944, ClinGen allele CA476744811.

ClinVar aggregate classification (germline): Benign/Likely benign. Review status: criteria provided, multiple submitters, no conflicts (2 of 4 stars). 4 submissions from 4 submitters: Benign (1); Likely benign (3). Last evaluated 2025-06-04.

Conditions:
Hereditary cancer-predisposing syndrome. Also called: Hereditary Cancer Syndrome; Neoplastic Syndromes, Hereditary; Tumor predisposition; Hereditary neoplastic syndrome. Identifiers: Orphanet 140162, MedGen C0027672, MeSH D009386, MONDO:0015356.
Ataxia-telangiectasia syndrome (AT). Also called: Ataxia-telangiectasia, complementation group D; AT, COMPLEMENTATION GROUP C; Ataxia-telangiectasia; ATAXIA-TELANGIECTASIA, COMPLEMENTATION GROUP A; ATAXIA-TELANGIECTASIA, FRESNO VARIANT; LOUIS-BAR SYNDROME. Identifiers: Orphanet 100, MedGen C0004135, MONDO:0008840, OMIM 208900.
Familial cancer of breast. Also called: BREAST CANCER, FAMILIAL; hereditary breast carcinoma; Hereditary breast cancer. Identifiers: Orphanet 227535, MedGen C0346153, MONDO:0016419, OMIM 114480. Disease mechanism: loss of function.

Allele frequency attached by ClinVar (database versions not stated): gnomAD exomes below 0.00001.
gnomAD v4.1: 1 of 1,613,016 alleles (0.000062%); highest among the groups gnomAD compares: Non-Finnish European, 0.000085%; no homozygotes.

Submissions (4):

Labcorp Genetics (formerly Invitae), Labcorp
Classification: Likely benign for Ataxia-telangiectasia syndrome. Last evaluated: 2025-06-04. Review status: criteria provided, single submitter. Criteria: Invitae Variant Classification Sherloc (09022015). Collection method: clinical testing. Allele origin: germline.

Myriad Genetics, Inc.
Classification: Benign for Familial cancer of breast. Last evaluated: 2024-04-23. Review status: criteria provided, single submitter. Criteria: Myriad Autosomal Dominant, Autosomal Recessive and X-Linked Classification Criteria (2023). Collection method: clinical testing. Allele origin: unknown.
Comment: This variant is considered benign. This variant is a silent/synonymous amino acid change and it is not expected to impact splicing.

Ambry Genetics
Classification: Likely benign for Hereditary cancer-predisposing syndrome. Last evaluated: 2022-02-15. Review status: criteria provided, single submitter. Criteria: Ambry Variant Classification Scheme 2023. Collection method: clinical testing. Allele origin: germline.

Color Diagnostics, LLC DBA Color Health
Classification: Likely benign for Hereditary cancer-predisposing syndrome. Last evaluated: 2018-02-06. Review status: criteria provided, single submitter. Criteria: ACMG Guidelines, 2015. Collection method: clinical testing. Allele origin: germline.